The following is an entry in ClinVar:

NM_199242.3(UNC13D):c.2042C>A (p.Ala681Asp)

Gene: UNC13D (unc-13 homolog D; minus strand). Cytogenetic location: 17q25.1.
Variant type: single nucleotide variant.
Coding change: c.2042C>A on transcript NM_199242.3 (MANE Select); coding-DNA position 2042, C replaced by A.
Protein change: p.Ala681Asp; replaces alanine 681 with aspartic acid.
Molecular consequence: missense variant.
Genome position (GRCh38, 1-based): chr17:75,834,667, G>T on the plus strand (C>A on the coding strand, the complement: UNC13D is on the minus strand). VCF-style: chr17-75834667-G-T. GRCh37 (hg19) VCF-style: chr17-73830748-G-T.
Other names: short protein forms A681D.
Identifiers: ClinVar variation 948063 (VCV000948063.8), dbSNP rs202113667, ClinGen allele CA294086461.

ClinVar aggregate classification (germline): Uncertain significance (1 of 4 stars; one submission).

Conditions:
Familial hemophagocytic lymphohistiocytosis 3 (FHL3). Also called: UNC13D-Related Familial Hemophagocytic Lymphohistiocytosis (UNC13D-fHLH). Identifiers: Orphanet 540, MedGen C1837174, MONDO:0012146, OMIM 608898.

Allele frequency attached by ClinVar (database versions not stated): gnomAD exomes below 0.00001.
gnomAD v4.1: 3 of 1,613,786 alleles (0.00019%); highest among the groups gnomAD compares: Middle Eastern, 0.033%; no homozygotes.

Submission:

Labcorp Genetics (formerly Invitae), Labcorp
Classification: Uncertain significance for Familial hemophagocytic lymphohistiocytosis 3. Last evaluated: 2024-06-10. Review status: criteria provided, single submitter. Criteria: Invitae Variant Classification Sherloc (09022015). Collection method: clinical testing. Allele origin: germline.
Comment: This sequence change replaces alanine, which is neutral and non-polar, with aspartic acid, which is acidic and polar, at codon 681 of the UNC13D protein (p.Ala681Asp). This variant is not present in population databases (gnomAD no frequency). This variant has not been reported in the literature in individuals affected with UNC13D-related conditions. ClinVar contains an entry for this variant (Variation ID: 948063). Advanced modeling of protein sequence and biophysical properties (such as structural, functional, and spatial information, amino acid conservation, physicochemical variation, residue mobility, and thermodynamic stability) performed at Invitae indicates that this missense variant is expected to disrupt UNC13D protein function with a positive predictive value of 80%. In summary, the available evidence is currently insufficient to determine the role of this variant in disease. Therefore, it has been classified as a Variant of Uncertain Significance.